The following is an entry in ClinVar:

ClinVar aggregate classification (germline): Uncertain significance (1 of 4 stars; one submission).

gnomAD v4.1: 31 of 1,613,196 alleles (0.0019%); highest among the groups gnomAD compares: Middle Eastern, 0.016%; no homozygotes.

Submission:

Labcorp Genetics (formerly Invitae), Labcorp
Classification: Uncertain significance. Last evaluated: 2025-06-17. Review status: criteria provided, single submitter. Criteria: Invitae Variant Classification Sherloc (09022015). Collection method: clinical testing. Allele origin: germline.
Comment: This sequence change replaces valine, which is neutral and non-polar, with isoleucine, which is neutral and non-polar, at codon 505 of the DEAF1 protein (p.Val505Ile). This variant is present in population databases (rs752675422, gnomAD 0.02%). This variant has not been reported in the literature in individuals affected with DEAF1-related conditions. Invitae Evidence Modeling of protein sequence and biophysical properties (such as structural, functional, and spatial information, amino acid conservation, physicochemical variation, residue mobility, and thermodynamic stability) has been performed for this missense variant. However, the output from this modeling did not meet the statistical confidence thresholds required to predict the impact of this variant on DEAF1 protein function. In summary, the available evidence is currently insufficient to determine the role of this variant in disease. Therefore, it has been classified as a Variant of Uncertain Significance.

NM_021008.4(DEAF1):c.1513G>A (p.Val505Ile)

Gene: DEAF1 (DEAF1 transcription factor; minus strand). Cytogenetic location: 11p15.5.
Variant type: single nucleotide variant.
Coding change: c.1513G>A on transcript NM_021008.4 (MANE Select); coding-DNA position 1513, G replaced by A.
Protein change: p.Val505Ile; replaces valine 505 with isoleucine.
Molecular consequence: missense variant. On other transcripts: intron variant (1).
Genome position (GRCh38, 1-based): chr11:654,042, C>T on the plus strand (G>A on the coding strand, the complement: DEAF1 is on the minus strand). VCF-style: chr11-654042-C-T. GRCh37 (hg19) VCF-style: chr11-654042-C-T.
Other names: c.1288G>A, p.Val430Ile (NM_001293634.2); c.787G>A, p.Val263Ile (NM_001367390.1, NM_001440885.1, NM_001440886.1 and 1 more transcripts); c.1384G>A, p.Val462Ile (NM_001440884.1); c.1504-9388G>A (NM_001440883.1); short protein forms V263I, V430I, V462I, V505I.
Identifiers: ClinVar variation 4806852 (VCV004806852.1).
Genomic context (GRCh38, chr11:654,042, plus strand): 5'-AGCAGTAGTTGACCTTGTGGCAGCCGGTGCACTCGCTCATAGCCTCCCGGCCGCAGTTAA[C>T]GCAGGACTGCTGCAAGAAGGACACAACAGGCCAGTCAGTGACGTGGCCGTGGAGAGCCCC-3'
Protein context (NP_066288.2, residues 495-515): ADAERKEQSC[Val505Ile]NCGREAMSEC